The following is an entry in ClinVar:

ClinVar aggregate classification (germline): Conflicting classifications of pathogenicity. Review status: criteria provided, conflicting classifications (1 of 4 stars). 4 submissions from 4 submitters: Uncertain significance (3); Likely benign (1). Last evaluated 2024-07-22.

Conditions:
Hereditary cancer-predisposing syndrome. Also called: Hereditary neoplastic syndrome; Hereditary Cancer Syndrome; Tumor predisposition; Neoplastic Syndromes, Hereditary. Identifiers: Orphanet 140162, MedGen C0027672, MeSH D009386, MONDO:0015356.
Hereditary breast ovarian cancer syndrome. Also called: Breast and ovarian cancer; Hereditary breast and ovarian cancer; BRCA1- and BRCA2-Associated Hereditary Breast and Ovarian Cancer; Hereditary breast and/or ovarian cancer syndrome; Hereditary breast and ovarian cancer syndrome; Hereditary breast and ovarian cancer syndrome (HBOC). Identifiers: Orphanet 145, MedGen C0677776, MeSH D061325, MONDO:0003582. Disease mechanism: loss of function.

Submissions (4):

Ambry Genetics
Classification: Uncertain significance for Hereditary cancer-predisposing syndrome. Last evaluated: 2024-07-22. Review status: criteria provided, single submitter. Criteria: Ambry Variant Classification Scheme 2023. Collection method: clinical testing. Allele origin: germline.
Comment: The p.N2051D variant (also known as c.6151A>G), located in coding exon 10 of the BRCA2 gene, results from an A to G substitution at nucleotide position 6151. The asparagine at codon 2051 is replaced by aspartic acid, an amino acid with highly similar properties. This amino acid position is not well conserved in available vertebrate species. In addition, this alteration is predicted to be tolerated by in silico analysis. Based on the available evidence, the clinical significance of this variant remains unclear.

University of Washington Department of Laboratory Medicine, University of Washington
Classification: Likely benign for Hereditary cancer-predisposing syndrome. Last evaluated: 2023-03-23. Review status: criteria provided, single submitter. Criteria: Dines et al. (Genet Med. 2020). Collection method: curation. Allele origin: germline.
Comment: Missense variant in a coldspot region where missense variants are very unlikely to be pathogenic (PMID:31911673).

BRCA2 exon 11 coldspot. Reclassification based on statistical prior probability.

Labcorp Genetics (formerly Invitae), Labcorp
Classification: Uncertain significance for Hereditary breast ovarian cancer syndrome. Last evaluated: 2018-01-31. Review status: criteria provided, single submitter. Criteria: Invitae Variant Classification Sherloc (09022015). Collection method: clinical testing. Allele origin: germline.
Comment: In summary, the available evidence is currently insufficient to determine the role of this variant in disease. Therefore, it has been classified as a Variant of Uncertain Significance. Algorithms developed to predict the effect of sequence changes on RNA splicing suggest that this variant may create or strengthen a splice site, but this prediction has not been confirmed by published transcriptional studies. Algorithms developed to predict the effect of missense changes on protein structure and function output the following: SIFT: "Tolerated"; PolyPhen-2: "Benign"; Align-GVGD: "Class C0". The aspartic acid amino acid residue is found in multiple mammalian species, suggesting that this missense change does not adversely affect protein function. These predictions have not been confirmed by published functional studies and their clinical significance is uncertain. This variant has not been reported in the literature in individuals with BRCA2-related disease. ClinVar contains an entry for this variant (Variation ID: 438993). This variant is not present in population databases (ExAC no frequency). This sequence change replaces asparagine with aspartic acid at codon 2051 of the BRCA2 protein (p.Asn2051Asp). The asparagine residue is weakly conserved and there is a small physicochemical difference between asparagine and aspartic acid.

Quest Diagnostics Nichols Institute San Juan Capistrano
Classification: Uncertain significance. Last evaluated: 2016-09-06. Review status: criteria provided, single submitter. Criteria: Quest Diagnostics criteria. Collection method: clinical testing. Allele origin: germline.

NM_000059.4(BRCA2):c.6151A>G (p.Asn2051Asp)

Gene: BRCA2 (BRCA2 DNA repair associated; plus strand). Cytogenetic location: 13q13.1.
Variant type: single nucleotide variant.
Coding change: c.6151A>G on transcript NM_000059.4 (MANE Select); coding-DNA position 6151, A replaced by G.
Protein change: p.Asn2051Asp; replaces asparagine 2051 with aspartic acid.
Molecular consequence: missense variant.
Genome position (GRCh38, 1-based): chr13:32,340,506, A>G. VCF-style: chr13-32340506-A-G. GRCh37 (hg19) VCF-style: chr13-32914643-A-G.
Other names: short protein forms N2051D.
Identifiers: ClinVar variation 438993 (VCV000438993.12), dbSNP rs1555284569, ClinGen allele CA387788283.